The following is an entry in ClinVar:

ClinVar aggregate classification (germline): Benign. Review status: criteria provided, multiple submitters, no conflicts (2 of 4 stars). 14 submissions from 14 submitters: Benign (10). 4 of the submissions do not count toward it. Last evaluated 2026-05-11.

Conditions:
Connective tissue disorder. Also called: Connective tissue disease. Identifiers: MedGen C0009782, MONDO:0003900.

Allele frequency attached by ClinVar (database versions not stated): ESP Exome Variant Server 0.01622; gnomAD 0.01627 and 0.01659; TOPMed 0.01761; 1000 Genomes Project 0.01797; 1000 Genomes Project 30x 0.01952; gnomAD exomes 0.00716 and 0.01083; ExAC 0.01136.
gnomAD v4.1: 13,219 of 1,613,132 alleles (0.82%); highest among the groups gnomAD compares: Middle Eastern, 3.9%; 163 homozygotes.

Submissions (14):

Women's Health and Genetics/Laboratory Corporation of America, LabCorp
Classification: Benign. Last evaluated: 2026-05-11. Review status: criteria provided, single submitter. Criteria: LabCorp Variant Classification Summary - May 2015. Collection method: clinical testing. Allele origin: germline.

Labcorp Genetics (formerly Invitae), Labcorp
Classification: Benign. Last evaluated: 2026-02-02. Review status: criteria provided, single submitter. Criteria: Invitae Variant Classification Sherloc (09022015). Collection method: clinical testing. Allele origin: germline.

ARUP Laboratories, Molecular Genetics and Genomics, ARUP Laboratories
Classification: Benign. Last evaluated: 2025-07-02. Review status: criteria provided, single submitter. Criteria: ARUP Molecular Germline Variant Investigation Process 2024. Collection method: clinical testing. Allele origin: germline.

Mayo Clinic Laboratories, Mayo Clinic
Classification: Benign. Last evaluated: 2025-04-29. Review status: criteria provided, single submitter. Criteria: ACMG Guidelines, 2015. Collection method: clinical testing. Allele origin: germline. Observed: 8 variant alleles.
Comment: BA1, BS2

Blueprint Genetics
Classification: Benign. Last evaluated: 2024-11-26. Review status: criteria provided, single submitter. Criteria: ACMG Guidelines, 2015. Collection method: clinical testing. Allele origin: germline.

Athena Diagnostics
Classification: Benign. Last evaluated: 2024-10-15. Review status: criteria provided, single submitter. Criteria: Athena Diagnostics Criteria. Collection method: clinical testing. Allele origin: unknown.

Genome Diagnostics Laboratory, The Hospital for Sick Children
Classification: Benign for Connective tissue disorder. Last evaluated: 2021-12-06. Review status: criteria provided, single submitter. Criteria: ACMG Guidelines, 2015. Collection method: clinical testing. Allele origin: germline.

GeneDx
Classification: Benign. Last evaluated: 2016-09-21. Review status: criteria provided, single submitter. Criteria: GeneDx Variant Classification (06012015). Collection method: clinical testing. Allele origin: germline. Affected: yes.
Comment: This variant is considered likely benign or benign based on one or more of the following criteria: it is a conservative change, it occurs at a poorly conserved position in the protein, it is predicted to be benign by multiple in silico algorithms, and/or has population frequency not consistent with disease.

PreventionGenetics, part of Exact Sciences
Classification: Benign. Last evaluated: 2016-04-20. Review status: criteria provided, single submitter. Criteria: ACMG Guidelines, 2015. Collection method: clinical testing. Allele origin: germline.

Breakthrough Genomics
Classification: Benign. Review status: criteria provided, single submitter. Criteria: ACMG Guidelines, 2015. Collection method: not provided. Allele origin: germline. Inheritance: Autosomal dominant inheritance. Affected: yes.

Clinical Genetics DNA and cytogenetics Diagnostics Lab, Erasmus MC, Erasmus Medical Center
Classification: Benign. Review status: no assertion criteria provided. Collection method: clinical testing. Allele origin: germline. Affected: yes. Study: VKGL Data-share Consensus. Not counted in ClinVar's aggregate classification.

Genome Diagnostics Laboratory, Amsterdam University Medical Center
Classification: Benign. Review status: no assertion criteria provided. Collection method: clinical testing. Allele origin: germline. Affected: yes. Study: VKGL Data-share Consensus. Not counted in ClinVar's aggregate classification.

Joint Genome Diagnostic Labs from Nijmegen and Maastricht, Radboudumc and MUMC+
Classification: Likely benign. Review status: no assertion criteria provided. Collection method: clinical testing. Allele origin: germline. Affected: yes. Study: VKGL Data-share Consensus. Not counted in ClinVar's aggregate classification.

Laboratory of Diagnostic Genome Analysis, Leiden University Medical Center (LUMC)
Classification: Likely benign. Review status: no assertion criteria provided. Collection method: clinical testing. Allele origin: germline. Affected: yes. Study: VKGL Data-share Consensus. Not counted in ClinVar's aggregate classification.

NM_000142.5(FGFR3):c.1075+5C>T

Gene: FGFR3 (fibroblast growth factor receptor 3; plus strand). Cytogenetic location: 4p16.3.
Variant type: single nucleotide variant.
Coding change: c.1075+5C>T on transcript NM_000142.5 (MANE Select); 5 bases into the intron after coding-DNA position 1075, C replaced by T.
Molecular consequence: intron variant.
Genome position (GRCh38, 1-based): chr4:1,803,841, C>T. VCF-style: chr4-1803841-C-T. GRCh37 (hg19) VCF-style: chr4-1805568-C-T.
Other names: c.1082-489C>T (NM_001163213.2); c.1075+5C>T (NM_001354809.2, NM_001354810.2); c.931-983C>T (NM_022965.4).
Identifiers: ClinVar variation 255323 (VCV000255323.35), dbSNP rs3135885, ClinGen allele CA2810172.